The following is an entry in ClinVar:

NM_006147.4(IRF6):c.643G>A (p.Glu215Lys)

Gene: IRF6 (interferon regulatory factor 6; minus strand). Cytogenetic location: 1q32.2.
Variant type: single nucleotide variant.
Coding change: c.643G>A on transcript NM_006147.4 (MANE Select); coding-DNA position 643, G replaced by A.
Protein change: p.Glu215Lys; replaces glutamic acid 215 with lysine.
Molecular consequence: missense variant.
Genome position (GRCh38, 1-based): chr1:209,792,293, C>T on the plus strand (G>A on the coding strand, the complement: IRF6 is on the minus strand). VCF-style: chr1-209792293-C-T. GRCh37 (hg19) VCF-style: chr1-209965638-C-T.
Other names: c.358G>A, p.Glu120Lys (NM_001206696.2); short protein forms E120K, E215K.
Identifiers: ClinVar variation 2630504 (VCV002630504.1), dbSNP rs2464674543, ClinGen allele CA344578912.
Genomic context (GRCh38, chr1:209,792,293, plus strand): 5'-CAGAAGACCGAGCAAGAAAGATAAAGTCTCACTTACTTGGGAGAGAGCTGATCCACAGTT[C>T]TGGAGAGCTATAGAAGGGCTGTATAGGTGCCTGGGGTACTTCCATCTCCAGGGGTTCAGT-3'
Protein context (NP_006138.1, residues 205-225): APIQPFYSSP[Glu215Lys]LWISSLPMTD

ClinVar aggregate classification (germline): Uncertain significance (1 of 4 stars; one submission).

Conditions:
IRF6-related condition. Also called: IRF6-related disorder; IRF6-Related Disorders. Identifiers: MedGen CN378148, MONDO:1040010.

Submission:

PreventionGenetics, part of Exact Sciences
Classification: Uncertain significance for IRF6-related condition. Last evaluated: 2023-01-31. Review status: criteria provided, single submitter. Criteria: ACMG Guidelines, 2015. Collection method: clinical testing. Allele origin: germline.
Comment: The IRF6 c.643G>A variant is predicted to result in the amino acid substitution p.Glu215Lys. To our knowledge, this variant has not been reported in the literature or in a large population database, indicating this variant is rare. At this time, the clinical significance of this variant is uncertain due to the absence of conclusive functional and genetic evidence.